The following is an entry in ClinVar:

NM_001656.4(TRIM23):c.853C>T (p.Arg285Trp)

Gene: TRIM23 (tripartite motif containing 23; minus strand). Cytogenetic location: 5q12.3.
Variant type: single nucleotide variant.
Coding change: c.853C>T on transcript NM_001656.4 (MANE Select); coding-DNA position 853, C replaced by T.
Protein change: p.Arg285Trp; replaces arginine 285 with tryptophan.
Molecular consequence: missense variant.
Genome position (GRCh38, 1-based): chr5:65,609,434, G>A on the plus strand (C>T on the coding strand, the complement: TRIM23 is on the minus strand). VCF-style: chr5-65609434-G-A. GRCh37 (hg19) VCF-style: chr5-64905261-G-A.
Other names: c.853C>T, p.Arg285Trp (NM_033227.3, NM_033228.3); short protein forms R285W.
Identifiers: ClinVar variation 4884905 (VCV004884905.2).

ClinVar aggregate classification (germline): Uncertain significance (1 of 4 stars; one submission).

gnomAD v4.1: 7 of 1,613,930 alleles (0.00043%); highest among the groups gnomAD compares: East Asian, 0.0022%; no homozygotes.

Submission:

Dasa
Classification: Uncertain significance. Last evaluated: 2025-11-28. Review status: criteria provided, single submitter. Criteria: DASA Assertion Criteria. Collection method: clinical testing. Allele origin: germline.
Comment: NM_001656.4(TRIM23):c.853C>T (p.Arg285Trp) is a missense variant that results in the substitution of arginine with tryptophan. This variant is rare in population databases. Computational prediction algorithms are consistent with a deleterious effect. The currently available literature and clinical evidence are not sufficient to establish a definitive association between this variant and the reported condition. Therefore, this variant is classified as a variant of uncertain significance.